The following is an entry in ClinVar:

ClinVar aggregate classification (germline): Conflicting classifications of pathogenicity. Review status: criteria provided, conflicting classifications (1 of 4 stars). 2 submissions from 2 submitters: Uncertain significance (1); Likely benign (1). Last evaluated 2022-11-04.

Conditions:
Inborn genetic diseases. Identifiers: MedGen C0950123, MeSH D030342.

Submissions (2):

Labcorp Genetics (formerly Invitae), Labcorp
Classification: Uncertain significance. Last evaluated: 2022-11-04. Review status: criteria provided, single submitter. Criteria: Invitae Variant Classification Sherloc (09022015). Collection method: clinical testing. Allele origin: germline.
Comment: In summary, the available evidence is currently insufficient to determine the role of this variant in disease. Therefore, it has been classified as a Variant of Uncertain Significance. Experimental studies and prediction algorithms are not available or were not evaluated, and the functional significance of this variant is currently unknown. This variant has not been reported in the literature in individuals affected with ARID1B-related conditions. This variant is not present in population databases (gnomAD no frequency). This variant, c.973_974insCAG, results in the insertion of 1 amino acid(s) of the ARID1B protein (p.Gly324_Gly325insAla), but otherwise preserves the integrity of the reading frame.

Ambry Genetics
Classification: Likely benign for Inborn genetic diseases. Last evaluated: 2018-06-20. Review status: criteria provided, single submitter. Criteria: Ambry Variant Classification Scheme 2023. Collection method: clinical testing. Allele origin: germline.

NM_001374828.1(ARID1B):c.1222_1223insCAG (p.Gly407_Gly408insAla)

Gene: ARID1B (AT-rich interaction domain 1B; plus strand). Cytogenetic location: 6q25.3.
Variant type: Insertion.
Coding change: c.1222_1223insCAG on transcript NM_001374828.1 (MANE Select); coding-DNA positions 1222 to 1223, CAG inserted.
Protein change: p.Gly407_Gly408insAla.
Molecular consequence: inframe insertion. On other transcripts: inframe indel (3).
Genome position: GRCh38 VCF-style: chr6-156778900-G-GAGC. GRCh37 (hg19) VCF-style: chr6-157100034-G-GAGC.
Other names: c.973_974insCAG, p.Gly324_Gly325insAla (NM_001346813.1, NM_020732.3); c.1222_1223insCAG, p.Gly407_Gly408insAla (NM_001371656.1, NM_001374820.1, NM_017519.3); c.799_800insCAG, p.Gly266_Gly267insAla (NM_175863.2).
Identifiers: ClinVar variation 1768021 (VCV001768021.5), dbSNP rs1778926656, ClinGen allele CA1096261145.